The following is an entry in ClinVar:

NM_005245.4(FAT1):c.4475C>G (p.Thr1492Ser)

Gene: FAT1 (FAT atypical cadherin 1; minus strand). Cytogenetic location: 4q35.2.
Variant type: single nucleotide variant.
Coding change: c.4475C>G on transcript NM_005245.4 (MANE Select); coding-DNA position 4475, C replaced by G.
Protein change: p.Thr1492Ser; replaces threonine 1492 with serine.
Molecular consequence: missense variant.
Genome position (GRCh38, 1-based): chr4:186,628,612, G>C on the plus strand (C>G on the coding strand, the complement: FAT1 is on the minus strand). VCF-style: chr4-186628612-G-C. GRCh37 (hg19) VCF-style: chr4-187549766-G-C.
Other names: short protein forms T1492S.
Identifiers: ClinVar variation 2903679 (VCV002903679.13), dbSNP rs181526716, ClinGen allele CA3166705.

ClinVar aggregate classification (germline): Likely benign. Review status: criteria provided, multiple submitters, no conflicts (2 of 4 stars). 2 submissions from 2 submitters: Likely benign (2). Last evaluated 2025-06-01.

Allele frequency attached by ClinVar (database versions not stated): gnomAD 0.00014; TOPMed 0.00018; ExAC 0.00030; 1000 Genomes Project 30x 0.00031; 1000 Genomes Project 0.00040.
gnomAD v4.1: 197 of 1,614,014 alleles (0.012%); highest among the groups gnomAD compares: East Asian, 0.18%; 3 homozygotes.

Submissions (2):

CeGaT Center for Human Genetics Tuebingen
Classification: Likely benign. Last evaluated: 2025-06-01. Review status: criteria provided, single submitter. Criteria: CeGaT Center For Human Genetics Tuebingen Variant Classification Criteria Version 2. Collection method: clinical testing. Allele origin: germline. Affected: yes. Observed: 1 variant allele.
Comment: FAT1: BP4

Labcorp Genetics (formerly Invitae), Labcorp
Classification: Likely benign. Last evaluated: 2024-12-02. Review status: criteria provided, single submitter. Criteria: Invitae Variant Classification Sherloc (09022015). Collection method: clinical testing. Allele origin: germline.